The following is an entry in ClinVar:

NM_020975.6(RET):c.390A>G (p.Thr130=)

Gene: RET (ret proto-oncogene; plus strand). Cytogenetic location: 10q11.21.
Variant type: single nucleotide variant.
Coding change: c.390A>G on transcript NM_020975.6 (MANE Select); coding-DNA position 390, A replaced by G.
Protein change: p.Thr130=; no amino-acid change (threonine 130 retained).
Molecular consequence: synonymous variant. On other transcripts: intron variant (22).
Genome position (GRCh38, 1-based): chr10:43,102,394, A>G. VCF-style: chr10-43102394-A-G. GRCh37 (hg19) VCF-style: chr10-43597842-A-G.
Other names: c.390A>G, p.Thr130= (NM_000323.2, NM_001406743.1, NM_001406744.1 and 16 more transcripts); c.338-77A>G (NM_001406764.1, NM_001406762.1, NM_001406761.1 and 4 more transcripts); c.337+1672A>G (NM_001406770.1, NM_001406766.1, NM_001406767.1 and 8 more transcripts); c.74-6637A>G (NM_001406784.1); c.74-9705A>G (NM_001406794.1, NM_001406792.1, NM_001406793.1).
Identifiers: ClinVar variation 3070293 (VCV003070293.2), dbSNP rs2132679034, ClinGen allele CA469279220.

ClinVar aggregate classification (germline): Likely benign. Review status: criteria provided, multiple submitters, no conflicts (2 of 4 stars). 2 submissions from 2 submitters: Likely benign (2). Last evaluated 2025-06-24.

Conditions:
Multiple endocrine neoplasia, type 2 (MEN2). Identifiers: Orphanet 653, MedGen C4048306, MONDO:0019003. Disease mechanism: gain of function.
Hereditary cancer-predisposing syndrome. Also called: Neoplastic Syndromes, Hereditary; Hereditary neoplastic syndrome; Tumor predisposition; Hereditary Cancer Syndrome. Identifiers: Orphanet 140162, MedGen C0027672, MeSH D009386, MONDO:0015356.

Allele frequency attached by ClinVar (database versions not stated): gnomAD exomes below 0.00001.
gnomAD v4.1: 1 of 1,614,144 alleles (0.000062%); highest among the groups gnomAD compares: Non-Finnish European, 0.000085%; no homozygotes.

Submissions (2):

Ambry Genetics
Classification: Likely benign for Hereditary cancer-predisposing syndrome. Last evaluated: 2025-06-24. Review status: criteria provided, single submitter. Criteria: Ambry Variant Classification Scheme 2023. Collection method: clinical testing. Allele origin: germline.

All of Us Research Program, National Institutes of Health
Classification: Likely benign for Multiple endocrine neoplasia, type 2. Last evaluated: 2023-04-03. Review status: criteria provided, single submitter. Criteria: ACMG Guidelines, 2015. Collection method: clinical testing. Allele origin: germline. Inheritance: Autosomal dominant inheritance. Observed: 1 variant allele, 1 heterozygote.
Comment: This study involves interpretation of variants in research participants for the purpose of population health screening. Participant phenotype was not available at the time of variant classification. Additional details can be found in publication PMID: 35346344, PMCID: PMC8962531